The following is an entry in ClinVar:

ClinVar aggregate classification (germline): Uncertain significance. Review status: criteria provided, multiple submitters, no conflicts (2 of 4 stars). 2 submissions from 2 submitters: Uncertain significance (2). Last evaluated 2025-01-20.

Conditions:
Gorlin syndrome. Also called: Basal cell nevus syndrome; Nevoid Basal Cell Carcinoma Syndrome. Identifiers: Orphanet 377, MedGen C0004779, MONDO:0007187.
Hereditary cancer-predisposing syndrome. Also called: Hereditary neoplastic syndrome; Tumor predisposition; Neoplastic Syndromes, Hereditary; Hereditary Cancer Syndrome. Identifiers: Orphanet 140162, MedGen C0027672, MeSH D009386, MONDO:0015356.

Submissions (2):

Labcorp Genetics (formerly Invitae), Labcorp
Classification: Uncertain significance for Gorlin syndrome. Last evaluated: 2025-01-20. Review status: criteria provided, single submitter. Criteria: Invitae Variant Classification Sherloc (09022015). Collection method: clinical testing. Allele origin: germline.
Comment: This sequence change replaces alanine, which is neutral and non-polar, with valine, which is neutral and non-polar, at codon 167 of the PTCH1 protein (p.Ala167Val). This variant is not present in population databases (gnomAD no frequency). This variant has not been reported in the literature in individuals affected with PTCH1-related conditions. ClinVar contains an entry for this variant (Variation ID: 961149). Invitae Evidence Modeling of protein sequence and biophysical properties (such as structural, functional, and spatial information, amino acid conservation, physicochemical variation, residue mobility, and thermodynamic stability) indicates that this missense variant is not expected to disrupt PTCH1 protein function with a negative predictive value of 95%. In summary, the available evidence is currently insufficient to determine the role of this variant in disease. Therefore, it has been classified as a Variant of Uncertain Significance.

Ambry Genetics
Classification: Uncertain significance for Hereditary cancer-predisposing syndrome. Last evaluated: 2021-09-22. Review status: criteria provided, single submitter. Criteria: Ambry Variant Classification Scheme 2023. Collection method: clinical testing. Allele origin: germline.
Comment: The p.A167V variant (also known as c.500C>T), located in coding exon 3 of the PTCH1 gene, results from a C to T substitution at nucleotide position 500. The alanine at codon 167 is replaced by valine, an amino acid with similar properties. This amino acid position is highly conserved in available vertebrate species. In addition, the in silico prediction for this alteration is inconclusive. Since supporting evidence is limited at this time, the clinical significance of this alteration remains unclear.

NM_000264.5(PTCH1):c.500C>T (p.Ala167Val)

Gene: PTCH1 (patched 1; minus strand). Cytogenetic location: 9q22.32.
Variant type: single nucleotide variant.
Coding change: c.500C>T on transcript NM_000264.5 (MANE Select); coding-DNA position 500, C replaced by T.
Protein change: p.Ala167Val; replaces alanine 167 with valine.
Molecular consequence: missense variant. On other transcripts: non-coding transcript variant (1).
Genome position (GRCh38, 1-based): chr9:95,485,769, G>A on the plus strand (C>T on the coding strand, the complement: PTCH1 is on the minus strand). VCF-style: chr9-95485769-G-A. GRCh37 (hg19) VCF-style: chr9-98248051-G-A.
Other names: c.302C>T, p.Ala101Val (NM_001083602.3, NM_001354919.2); c.497C>T, p.Ala166Val (NM_001083603.3); c.47C>T, p.Ala16Val (NM_001083604.3, NM_001083605.3, NM_001083606.3 and 1 more transcripts); c.500C>T, p.Ala167Val (NM_001354918.2); short protein forms A167V, A166V, A16V, A101V.
Identifiers: ClinVar variation 961149 (VCV000961149.12), dbSNP rs587780707, ClinGen allele CA374116925.